The following is an entry in ClinVar:

NM_000284.4(PDHA1):c.1157_1158dup (p.Lys387fs)

Gene: PDHA1 (pyruvate dehydrogenase E1 subunit alpha 1; plus strand). Cytogenetic location: Xp22.12.
Variant type: Duplication.
Coding change: c.1157_1158dup on transcript NM_000284.4 (MANE Select); coding-DNA positions 1157 to 1158, 2 bases duplicated (TT; older notation c.1157_1158dupTT).
Protein change: p.Lys387fs; shifts the reading frame from lysine 387.
Molecular consequence: frameshift variant.
Genome position (GRCh38, 1-based): chrX:19,359,637-19,359,638, TT duplicated; duplicating any 2 consecutive bases within chrX:19,359,636-19,359,638 gives the same sequence; the c. name uses the placement nearest the transcript's 3' end. VCF-style (leftmost placement, unchanged base first): chrX-19359635-G-GTT. GRCh37 (hg19) VCF-style: chrX-19377753-G-GTT.
Other names: c.1271_1272dup, p.Lys425fs (NM_001173454.2); c.1178_1179dup, p.Lys394fs (NM_001173455.2); c.1064_1065dup, p.Lys356fs (NM_001173456.2); short protein forms K356fs, K387fs, K394fs, K425fs.
Identifiers: ClinVar variation 4070292 (VCV004070292.1).

ClinVar aggregate classification (germline): Pathogenic (0 of 4 stars; one submission).

Conditions:
Pyruvate dehydrogenase E1-alpha deficiency (PDHAD). Also called: ATAXIA, INTERMITTENT, WITH PYRUVATE DEHYDROGENASE DEFICIENCY; ATAXIA WITH LACTIC ACIDOSIS I; ATAXIA, INTERMITTENT, WITH ABNORMAL PYRUVATE METABOLISM; Ataxia, intermittent, with pyruvate dehydrogenase, or decarboxylase, deficiency. Identifiers: Orphanet 79243, MedGen C1839413, MONDO:0010717, OMIM 312170.

Submission:

PDHA1 Study Group, University Children’s Hospital, Paracelsus Medical University
Classification: Pathogenic for Pyruvate dehydrogenase E1-alpha deficiency. Last evaluated: 2024-10-15. Review status: no assertion criteria provided. Collection method: research. Allele origin: germline. Affected: yes. Observed: 2 variant alleles.
Comment: The NM_000284.3:c.1157_1158dup (p.Lys387LeufsTer38) change is a frameshift variant in PDHA1 gene. This variant is predicted to escape nonsense-mediated decay (NMD). In total, 2 individuals were diagnosed with PDHA1-related Pyruvate dehydrogenase complex (PDHc) deficiency (MIM #312170). The variant has been reported in 2 published cases (PMIDs: 28918066). Last literature search: July 12, 2024. This variant is absent or extremely rare in population-based cohorts in the Genome Aggregation Database (gnomAD). Individuals harboring this variant presented with clinical features compatible with PDHA1-related PDHc deficiency. In summary, this variant meets criteria to be classified as pathogenic (P) for PDHA1-related PDHc deficiency based on the ACMG/AMP criteria applied: PS2, PM1, PM2, PM4, PP5 (last assessment October 15, 2024).

Literature cited by the submitters: PubMed 28918066; DOI 10.1093/brain/awaf430.